The following is an entry in ClinVar:

NM_002839.4(PTPRD):c.1722A>G (p.Gly574=)

Gene: PTPRD (protein tyrosine phosphatase receptor type D; minus strand). Cytogenetic location: 9p24.1.
Variant type: single nucleotide variant.
Coding change: c.1722A>G on transcript NM_002839.4 (MANE Select); coding-DNA position 1722, A replaced by G.
Protein change: p.Gly574=; no amino-acid change (glycine 574 retained).
Molecular consequence: synonymous variant.
Genome position (GRCh38, 1-based): chr9:8,504,361, T>C on the plus strand (A>G on the coding strand, the complement: PTPRD is on the minus strand). VCF-style: chr9-8504361-T-C. GRCh37 (hg19) VCF-style: chr9-8504361-T-C.
Other names: c.1713A>G, p.Gly571= (NM_001040712.2, NM_001377947.1); c.1692A>G, p.Gly564= (NM_001171025.2); c.1704A>G, p.Gly568= (NM_001377946.1, NM_130393.3); c.1722A>G, p.Gly574= (NM_001377958.1, NM_001378058.1, NM_130391.4 and 1 more transcripts); c.1722A>G (NM_002839.3).
Identifiers: ClinVar variation 810356 (VCV000810356.44), dbSNP rs139810753, ClinGen allele CA4984415.

ClinVar aggregate classification (germline): Likely benign. Review status: criteria provided, multiple submitters, no conflicts (2 of 4 stars). 3 submissions from 3 submitters: Likely benign (2). 1 of the submissions does not count toward it. Last evaluated 2018-06-01.

Conditions:
PTPRD-related disorder. Also called: PTPRD-related condition.

Allele frequency attached by ClinVar (database versions not stated): ESP Exome Variant Server 0.00046; 1000 Genomes Project 30x 0.00047; 1000 Genomes Project 0.00060; gnomAD 0.00071 and 0.00089; TOPMed 0.00083; ExAC 0.00124; gnomAD exomes 0.00131 and 0.00138.
gnomAD v4.1: 2,140 of 1,614,164 alleles (0.13%); highest among the groups gnomAD compares: South Asian, 0.53%; 10 homozygotes.

Submissions (3):

CeGaT Center for Human Genetics Tuebingen
Classification: Likely benign. Last evaluated: 2018-06-01. Review status: criteria provided, single submitter. Criteria: CeGaT Center For Human Genetics Tuebingen Variant Classification Criteria Version 2. Collection method: clinical testing. Allele origin: germline. Affected: yes. Observed: 1 variant allele.

Breakthrough Genomics
Classification: Likely benign. Review status: criteria provided, single submitter. Criteria: ACMG Guidelines, 2015. Collection method: not provided. Allele origin: germline. Inheritance: Unknown mechanism. Affected: yes.

PreventionGenetics, part of Exact Sciences
Classification: Likely benign for PTPRD-related condition. Last evaluated: 2019-05-28. Review status: no assertion criteria provided. Collection method: clinical testing. Allele origin: germline. Not counted in ClinVar's aggregate classification.
Comment: This variant is classified as likely benign based on ACMG/AMP sequence variant interpretation guidelines (Richards et al. 2015 PMID: 25741868, with internal and published modifications).